The following is an entry in ClinVar:

ClinVar aggregate classification (germline): Likely benign (1 of 4 stars; one submission).

Submission:

CeGaT Center for Human Genetics Tuebingen
Classification: Likely benign. Last evaluated: 2025-03-01. Review status: criteria provided, single submitter. Criteria: CeGaT Center For Human Genetics Tuebingen Variant Classification Criteria Version 2. Collection method: clinical testing. Allele origin: germline. Affected: yes. Observed: 1 variant allele.
Comment: PANO1: BP4, BP7

NC_000011.10:g.798081A>C

Genes: PANO1 (proapoptotic nucleolar protein 1; plus strand), SLC25A22 (solute carrier family 25 member 22; minus strand). Cytogenetic location: 11p15.5.
Variant type: single nucleotide variant.
Molecular consequence: intron variant (on NM_001191061.2).
Genome position: GRCh38 VCF-style: chr11-798081-A-C. GRCh37 (hg19) VCF-style: chr11-798081-A-C.
Other names: c.-159+136T>G (NM_001425339.1); c.-164+136T>G (NM_001425341.1, NM_001425340.1, NM_001425343.1 and 5 more transcripts); c.-487+136T>G (NM_001425344.1); c.-489+136T>G (NM_001425338.1).
Identifiers: ClinVar variation 3771377 (VCV003771377.13).